The following is an entry in ClinVar:

ClinVar aggregate classification (germline): Conflicting classifications of pathogenicity. Review status: criteria provided, conflicting classifications (1 of 4 stars). 2 submissions from 2 submitters: Likely pathogenic (1); Uncertain significance (1). Last evaluated 2023-12-22.

Conditions:
Familial sleep-related hypermotor epilepsy. Also called: Autosomal Dominant Sleep-Related Hypermotor (Hyperkinetic) Epilepsy. Identifiers: Orphanet 98784, MedGen C3696898, MONDO:0000030.
Inborn genetic diseases. Identifiers: MedGen C0950123, MeSH D030342.

Allele frequency attached by ClinVar (database versions not stated): gnomAD exomes below 0.00001 and 0.00001; ExAC 0.00002; gnomAD 0.00003; TOPMed 0.00001.

Submissions (2):

Labcorp Genetics (formerly Invitae), Labcorp
Classification: Uncertain significance. Last evaluated: 2023-12-22. Review status: criteria provided, single submitter. Criteria: Invitae Variant Classification Sherloc (09022015). Collection method: clinical testing. Allele origin: germline.
Comment: This sequence change replaces arginine, which is basic and polar, with cysteine, which is neutral and slightly polar, at codon 47 of the CHRNB2 protein (p.Arg47Cys). This variant is present in population databases (rs746480833, gnomAD 0.004%). This variant has not been reported in the literature in individuals affected with CHRNB2-related conditions. ClinVar contains an entry for this variant (Variation ID: 520582). Advanced modeling of protein sequence and biophysical properties (such as structural, functional, and spatial information, amino acid conservation, physicochemical variation, residue mobility, and thermodynamic stability) performed at Invitae indicates that this missense variant is expected to disrupt CHRNB2 protein function with a positive predictive value of 80%. In summary, the available evidence is currently insufficient to determine the role of this variant in disease. Therefore, it has been classified as a Variant of Uncertain Significance.

Ambry Genetics
Classification: Likely pathogenic for Inborn genetic diseases. Last evaluated: 2015-01-22. Review status: criteria provided, single submitter. Criteria: Ambry exome assertion method (8-5-2015). Collection method: clinical testing. Allele origin: germline. Affected: yes. Observed: 1 variant allele.

NM_000748.3(CHRNB2):c.139C>T (p.Arg47Cys)

Gene: CHRNB2 (cholinergic receptor nicotinic beta 2 subunit; plus strand). Cytogenetic location: 1q21.3.
Variant type: single nucleotide variant.
Coding change: c.139C>T on transcript NM_000748.3 (MANE Select); coding-DNA position 139, C replaced by T.
Protein change: p.Arg47Cys; replaces arginine 47 with cysteine.
Molecular consequence: missense variant.
Genome position (GRCh38, 1-based): chr1:154,569,536, C>T. VCF-style: chr1-154569536-C-T. GRCh37 (hg19) VCF-style: chr1-154542012-C-T.
Other names: short protein forms R47C.
Identifiers: ClinVar variation 520582 (VCV000520582.12), dbSNP rs746480833, ClinGen allele CA1130637.